The following is an entry in ClinVar:

NM_000557.5(GDF5):c.518T>C (p.Met173Thr)

Gene: GDF5 (growth differentiation factor 5; minus strand). Cytogenetic location: 20q11.22.
Variant type: single nucleotide variant.
Coding change: c.518T>C on transcript NM_000557.5 (MANE Select); coding-DNA position 518, T replaced by C.
Protein change: p.Met173Thr; replaces methionine 173 with threonine.
Molecular consequence: missense variant.
Genome position (GRCh38, 1-based): chr20:35,437,411, A>G on the plus strand (T>C on the coding strand, the complement: GDF5 is on the minus strand). VCF-style: chr20-35437411-A-G. GRCh37 (hg19) VCF-style: chr20-34025191-A-G.
Other names: c.518T>C, p.Met173Thr (NM_001319138.2); short protein forms M173T.
Identifiers: ClinVar variation 3345123 (VCV003345123.4).

ClinVar aggregate classification (germline): Uncertain significance. Review status: criteria provided, multiple submitters, no conflicts (2 of 4 stars). 2 submissions from 2 submitters: Uncertain significance (2). Last evaluated 2025-03-28.

Conditions:
GDF5-related disorder. Also called: GDF5 (CDMP1)-related disorder; GDF5-related condition. Identifiers: MedGen CN169990.

Submissions (2):

PreventionGenetics, part of Exact Sciences
Classification: Uncertain significance for GDF5-related condition. Last evaluated: 2025-03-28. Review status: criteria provided, single submitter. Criteria: ACMG Guidelines, 2015. Collection method: clinical testing. Allele origin: germline.
Comment: The GDF5 c.518T>C variant is predicted to result in the amino acid substitution p.Met173Thr. To our knowledge, this variant has not been reported in the literature or in a large population database, indicating it is rare. A different missense change impacting the same amino acid (p.Met173Val) has been reported in the homozygous state in multiple affected members of a consanguineous Turkish family with brachydactyly (Schwabe et al. 2004. PubMed ID: 14735582). At this time, the clinical significance of the c.518T>C (p.Met173Thr) variant is uncertain due to the absence of conclusive functional and genetic evidence.

Labcorp Genetics (formerly Invitae), Labcorp
Classification: Uncertain significance. Last evaluated: 2024-12-18. Review status: criteria provided, single submitter. Criteria: Invitae Variant Classification Sherloc (09022015). Collection method: clinical testing. Allele origin: germline.
Comment: This sequence change replaces methionine, which is neutral and non-polar, with threonine, which is neutral and polar, at codon 173 of the GDF5 protein (p.Met173Thr). This variant is not present in population databases (gnomAD no frequency). This variant has not been reported in the literature in individuals affected with GDF5-related conditions. Invitae Evidence Modeling of protein sequence and biophysical properties (such as structural, functional, and spatial information, amino acid conservation, physicochemical variation, residue mobility, and thermodynamic stability) indicates that this missense variant is expected to disrupt GDF5 protein function with a positive predictive value of 80%. This variant disrupts the p.Met173 amino acid residue in GDF5. Other variant(s) that disrupt this residue have been observed in individuals with GDF5-related conditions (PMID: 14735582), which suggests that this may be a clinically significant amino acid residue. In summary, the available evidence is currently insufficient to determine the role of this variant in disease. Therefore, it has been classified as a Variant of Uncertain Significance.

Literature cited by the submitters: PubMed 14735582 (cited by Labcorp Genetics (formerly Invitae), Labcorp).